The following is an entry in ClinVar:

ClinVar aggregate classification (germline): Uncertain significance (1 of 4 stars; one submission).

Conditions:
Hereditary cancer-predisposing syndrome. Also called: Neoplastic Syndromes, Hereditary; Tumor predisposition; Hereditary Cancer Syndrome; Hereditary neoplastic syndrome. Identifiers: Orphanet 140162, MedGen C0027672, MeSH D009386, MONDO:0015356.

Submission:

Ambry Genetics
Classification: Uncertain significance for Hereditary cancer-predisposing syndrome. Last evaluated: 2026-06-03. Review status: criteria provided, single submitter. Criteria: Ambry Variant Classification Scheme 2023. Collection method: clinical testing. Allele origin: germline.
Comment: The p.L154P variant (also known as c.461T>C), located in coding exon 3 of the NTHL1 gene, results from a T to C substitution at nucleotide position 461. The leucine at codon 154 is replaced by proline, an amino acid with similar properties. This amino acid position is conserved. In addition, this alteration is predicted to be deleterious by in silico analysis. Based on the available evidence, the clinical significance of this variant remains unclear.

NM_002528.7(NTHL1):c.437T>C (p.Leu146Pro)

Gene: NTHL1 (nth like DNA glycosylase 1; minus strand). Cytogenetic location: 16p13.3.
Variant type: single nucleotide variant.
Coding change: c.437T>C on transcript NM_002528.7 (MANE Select); coding-DNA position 437, T replaced by C.
Protein change: p.Leu146Pro; replaces leucine 146 with proline.
Molecular consequence: missense variant. On other transcripts: intron variant (1).
Genome position (GRCh38, 1-based): chr16:2,044,718, A>G on the plus strand (T>C on the coding strand, the complement: NTHL1 is on the minus strand). VCF-style: chr16-2044718-A-G. GRCh37 (hg19) VCF-style: chr16-2094719-A-G.
Other names: c.107T>C, p.Leu36Pro (NM_001318194.2); c.355-992T>C (NM_001318193.2); short protein forms L146P, L36P.
Identifiers: ClinVar variation 4861237 (VCV004861237.1).